The following is an entry in ClinVar:

ClinVar aggregate classification (germline): Uncertain significance (1 of 4 stars; one submission).

Conditions:
Mowat-Wilson syndrome (MOWS). Also called: Classic Mowat-Wilson Syndrome. Identifiers: Orphanet 2152, MedGen C1856113, MONDO:0009341, OMIM 235730.

gnomAD v4.1: 1 of 1,613,766 alleles (0.000062%); highest among the groups gnomAD compares: Non-Finnish European, 0.000085%; no homozygotes.

Submission:

Labcorp Genetics (formerly Invitae), Labcorp
Classification: Uncertain significance for Mowat-Wilson syndrome. Last evaluated: 2023-10-22. Review status: criteria provided, single submitter. Criteria: Invitae Variant Classification Sherloc (09022015). Collection method: clinical testing. Allele origin: germline.
Comment: This sequence change replaces glycine, which is neutral and non-polar, with aspartic acid, which is acidic and polar, at codon 91 of the ZEB2 protein (p.Gly91Asp). This variant is not present in population databases (gnomAD no frequency). This variant has not been reported in the literature in individuals affected with ZEB2-related conditions. ClinVar contains an entry for this variant (Variation ID: 1506818). An algorithm developed to predict the effect of missense changes on protein structure and function (PolyPhen-2) suggests that this variant is likely to be tolerated. In summary, the available evidence is currently insufficient to determine the role of this variant in disease. Therefore, it has been classified as a Variant of Uncertain Significance.

NM_014795.4(ZEB2):c.272G>A (p.Gly91Asp)

Gene: ZEB2 (zinc finger E-box binding homeobox 2; minus strand). Cytogenetic location: 2q22.3.
Variant type: single nucleotide variant.
Coding change: c.272G>A on transcript NM_014795.4 (MANE Select); coding-DNA position 272, G replaced by A.
Protein change: p.Gly91Asp; replaces glycine 91 with aspartic acid.
Molecular consequence: missense variant.
Genome position (GRCh38, 1-based): chr2:144,429,828, C>T on the plus strand (G>A on the coding strand, the complement: ZEB2 is on the minus strand). VCF-style: chr2-144429828-C-T. GRCh37 (hg19) VCF-style: chr2-145187395-C-T.
Other names: c.272G>A, p.Gly91Asp (NM_001171653.2); short protein forms G91D.
Identifiers: ClinVar variation 1506818 (VCV001506818.8), dbSNP rs2149891165, ClinGen allele CA348718684.